The following is an entry in ClinVar:

ClinVar aggregate classification (germline): Uncertain significance (1 of 4 stars; one submission).

Submission:

GeneDx
Classification: Uncertain significance. Last evaluated: 2019-09-06. Review status: criteria provided, single submitter. Criteria: GeneDx Variant Classification Process June 2021. Collection method: clinical testing. Allele origin: germline. Affected: yes.
Comment: Not observed in large population cohorts (Lek et al., 2016); In silico analysis, which includes protein predictors and evolutionary conservation, supports that this variant does not alter protein structure/function; Has not been previously published as pathogenic or benign to our knowledge

NM_001111125.3(IQSEC2):c.1346C>T (p.Thr449Ile)

Gene: IQSEC2 (IQ motif and Sec7 domain ArfGEF 2; minus strand). Cytogenetic location: Xp11.22.
Variant type: single nucleotide variant.
Coding change: c.1346C>T on transcript NM_001111125.3 (MANE Select); coding-DNA position 1346, C replaced by T.
Protein change: p.Thr449Ile; replaces threonine 449 with isoleucine.
Molecular consequence: missense variant.
Genome position (GRCh38, 1-based): chrX:53,254,585, G>A on the plus strand (C>T on the coding strand, the complement: IQSEC2 is on the minus strand). VCF-style: chrX-53254585-G-A. GRCh37 (hg19) VCF-style: chrX-53283767-G-A.
Other names: c.731C>T, p.Thr244Ile (NM_015075.2); short protein forms T244I, T449I.
Identifiers: ClinVar variation 1310633 (VCV001310633.2), dbSNP rs2147120613, ClinGen allele CA413167583.